The following is an entry in ClinVar:

NM_000047.3(ARSL):c.188C>T (p.Thr63Ile)

Gene: ARSL (arylsulfatase L; minus strand). Cytogenetic location: Xp22.33.
Variant type: single nucleotide variant.
Coding change: c.188C>T on transcript NM_000047.3 (MANE Select); coding-DNA position 188, C replaced by T.
Protein change: p.Thr63Ile; replaces threonine 63 with isoleucine.
Molecular consequence: missense variant.
Genome position (GRCh38, 1-based): chrX:2,955,535, G>A on the plus strand (C>T on the coding strand, the complement: ARSL is on the minus strand). VCF-style: chrX-2955535-G-A. GRCh37 (hg19) VCF-style: chrX-2873576-G-A.
Other names: c.263C>T, p.Thr88Ile (NM_001282628.2, NM_001369080.1); c.26C>T, p.Thr9Ile (NM_001282631.2); c.215C>T, p.Thr72Ile (NM_001369079.1); short protein forms T63I, T72I, T88I, T9I.
Identifiers: ClinVar variation 3382301 (VCV003382301.2).

ClinVar aggregate classification (germline): Uncertain significance (1 of 4 stars; one submission).

Conditions:
X-linked chondrodysplasia punctata 1 (CDPX1). Also called: CHONDRODYSPLASIA PUNCTATA, BRACHYTELEPHALANGIC; Chondrodysplasia punctata, X-linked recessive. Identifiers: Orphanet 79345, MedGen C3669395, MONDO:0010555, OMIM 302950.

Submission:

Juno Genomics, Hangzhou Juno Genomics, Inc
Classification: Uncertain significance for X-linked chondrodysplasia punctata 1. Review status: criteria provided, single submitter. Criteria: ACMG Guidelines, 2015. Collection method: clinical testing. Allele origin: germline. Affected: yes.
Comment: Absent from controls (or at extremely low frequency if recessive) in Genome Aggregation Database, Exome Sequencing Project, 1000 Genomes Project, or Exome Aggregation Consortium.;De novo (both maternity and paternity confirmed) in a patient with the disease and no family history.;Multiple lines of computational evidence support a deleterious effect on the gene or gene product (conservation, evolutionary, splicing impact, etc).